The following is an entry in ClinVar:

ClinVar aggregate classification (germline): Benign. Review status: criteria provided, multiple submitters, no conflicts (2 of 4 stars). 12 submissions from 11 submitters: Benign (10). 2 of the submissions do not count toward it. Last evaluated 2026-06-30.

Conditions:
Bartter disease type 3. Also called: Bartter syndrome type 3. Identifiers: Orphanet 112, Orphanet 93605, MedGen C1846343, MONDO:0011822, OMIM 607364.
Bartter disease type 4B. Also called: BARTTER SYNDROME, TYPE 4B, NEONATAL, WITH SENSORINEURAL DEAFNESS; BARTTER SYNDROME, TYPE 4B; Bartter syndrome, type 4b, digenic. Identifiers: Orphanet 112, MedGen C4310805, MONDO:0000909, OMIM 613090.

Allele frequency attached by ClinVar (database versions not stated): 1000 Genomes Project 0.83826; 1000 Genomes Project 30x 0.83948; TOPMed 0.87650; gnomAD 0.88476 and 0.88671; ESP Exome Variant Server 0.88825; ExAC 0.93101; gnomAD exomes 0.93466 and 0.96793.
gnomAD v4.1: 1,548,531 of 1,613,870 alleles (96%); highest among the groups gnomAD compares: Non-Finnish European, 99%; 747,019 homozygotes.

Submissions (12):

Women's Health and Genetics/Laboratory Corporation of America, LabCorp
Classification: Benign. Last evaluated: 2026-06-30. Review status: criteria provided, single submitter. Criteria: LabCorp Variant Classification Summary - May 2015. Collection method: clinical testing. Allele origin: germline.

Labcorp Genetics (formerly Invitae), Labcorp
Classification: Benign. Last evaluated: 2026-02-04. Review status: criteria provided, single submitter. Criteria: Invitae Variant Classification Sherloc (09022015). Collection method: clinical testing. Allele origin: germline.

Blueprint Genetics
Classification: Benign. Last evaluated: 2024-11-26. Review status: criteria provided, single submitter. Criteria: ACMG Guidelines, 2015. Collection method: clinical testing. Allele origin: germline.

Mayo Clinic Laboratories, Mayo Clinic
Classification: Benign. Last evaluated: 2022-04-26. Review status: criteria provided, single submitter. Criteria: ACMG Guidelines, 2015. Collection method: clinical testing. Allele origin: germline. Observed: 401 variant alleles.

Genome-Nilou Lab
Classification: Benign for Bartter disease type 4B. Last evaluated: 2021-07-22. Review status: criteria provided, single submitter. Criteria: ACMG Guidelines, 2015. Collection method: clinical testing. Allele origin: germline. Affected: no.

Genome-Nilou Lab
Classification: Benign for Bartter disease type 3. Last evaluated: 2021-07-22. Review status: criteria provided, single submitter. Criteria: ACMG Guidelines, 2015. Collection method: clinical testing. Allele origin: germline. Affected: no.

GeneDx
Classification: Benign. Last evaluated: 2018-11-10. Review status: criteria provided, single submitter. Criteria: GeneDx Variant Classification Process June 2021. Collection method: clinical testing. Allele origin: germline. Affected: yes.

Athena Diagnostics
Classification: Benign. Last evaluated: 2017-07-26. Review status: criteria provided, single submitter. Criteria: Athena Diagnostics Criteria. Collection method: clinical testing. Allele origin: germline.

Laboratory for Molecular Medicine, Mass General Brigham Personalized Medicine
Classification: Benign. Last evaluated: 2016-03-21. Review status: criteria provided, single submitter. Criteria: LMM Criteria. Collection method: clinical testing. Allele origin: germline. Observed: 1 variant allele.
Comment: p.Met562Thr in exon 16 of CLCNKB: This variant is not expected to have clinical significance because it has been identified in 98.02% (65150/66466) of European chromosomes by the Exome Aggregation Consortium (ExAC; dbSNP rs5253).

Breakthrough Genomics
Classification: Benign. Review status: criteria provided, single submitter. Criteria: ACMG Guidelines, 2015. Collection method: not provided. Allele origin: germline. Inheritance: Autosomal recessive inheritance. Affected: yes.

Diagnostic Laboratory, Department of Genetics, University Medical Center Groningen
Classification: Benign. Review status: no assertion criteria provided. Collection method: clinical testing. Allele origin: germline. Affected: yes. Study: VKGL Data-share Consensus. Not counted in ClinVar's aggregate classification.

Joint Genome Diagnostic Labs from Nijmegen and Maastricht, Radboudumc and MUMC+
Classification: Benign. Review status: no assertion criteria provided. Collection method: clinical testing. Allele origin: germline. Affected: yes. Study: VKGL Data-share Consensus. Not counted in ClinVar's aggregate classification.

NM_000085.5(CLCNKB):c.1685T>C (p.Met562Thr)

Genes: CLCNKB (chloride voltage-gated channel Kb; plus strand), LOC106501713 (CLCNKB recombination region; plus strand). Cytogenetic location: 1p36.13.
Variant type: single nucleotide variant.
Coding change: c.1685T>C on transcript NM_000085.5 (MANE Select); coding-DNA position 1685, T replaced by C.
Protein change: p.Met562Thr; replaces methionine 562 with threonine.
Molecular consequence: missense variant.
Genome position (GRCh38, 1-based): chr1:16,053,701, T>C. VCF-style: chr1-16053701-T-C. GRCh37 (hg19) VCF-style: chr1-16380196-T-C.
Other names: c.1178T>C, p.Met393Thr (NM_001165945.2); short protein forms M562T, M393T.
Identifiers: ClinVar variation 447094 (VCV000447094.25), dbSNP rs5253, ClinGen allele CA623979.